The following is an entry in ClinVar:

ClinVar aggregate classification (germline): Uncertain significance. Review status: criteria provided, multiple submitters, no conflicts (2 of 4 stars). 2 submissions from 2 submitters: Uncertain significance (2). Last evaluated 2025-06-17.

Conditions:
Cardiovascular phenotype. Identifiers: MedGen CN230736.

Allele frequency attached by ClinVar (database versions not stated): gnomAD exomes below 0.00001 and 0.00001; ExAC 0.00001.

Submissions (2):

Ambry Genetics
Classification: Uncertain significance for Cardiovascular phenotype. Last evaluated: 2025-06-17. Review status: criteria provided, single submitter. Criteria: Ambry Variant Classification Scheme 2023. Collection method: clinical testing. Allele origin: germline.
Comment: The p.M1301V variant (also known as c.3901A>G), located in coding exon 19 of the MYPN gene, results from an A to G substitution at nucleotide position 3901. The methionine at codon 1301 is replaced by valine, an amino acid with highly similar properties. This amino acid position is conserved. In addition, this alteration is predicted to be tolerated by in silico analysis. Based on the available evidence, the clinical significance of this variant remains unclear.

GeneDx
Classification: Uncertain significance. Last evaluated: 2022-01-31. Review status: criteria provided, single submitter. Criteria: GeneDx Variant Classification Process June 2021. Collection method: clinical testing. Allele origin: germline. Affected: yes.
Comment: Not observed at significant frequency in large population cohorts (gnomAD); In silico analysis supports that this missense variant does not alter protein structure/function; Has not been previously published as pathogenic or benign to our knowledge

NM_032578.4(MYPN):c.3901A>G (p.Met1301Val)

Gene: MYPN (myopalladin; plus strand). Cytogenetic location: 10q21.3.
Variant type: single nucleotide variant.
Coding change: c.3901A>G on transcript NM_032578.4 (MANE Select); coding-DNA position 3901, A replaced by G.
Protein change: p.Met1301Val; replaces methionine 1301 with valine.
Molecular consequence: missense variant. On other transcripts: non-coding transcript variant (2).
Genome position (GRCh38, 1-based): chr10:68,210,393, A>G. VCF-style: chr10-68210393-A-G. GRCh37 (hg19) VCF-style: chr10-69970150-A-G.
Other names: c.3901A>G, p.Met1301Val (NM_001256267.2); c.3019A>G, p.Met1007Val (NM_001256268.2); c.3901A>G (NM_032578.2); short protein forms M1007V, M1301V.
Identifiers: ClinVar variation 1699632 (VCV001699632.3), dbSNP rs770321016, ClinGen allele CA5523185.